The following is an entry in ClinVar:

NM_001128425.2(MUTYH):c.2T>G (p.Met1Arg)

Genes: MUTYH (mutY DNA glycosylase; minus strand), TOE1 (target of EGR1, exonuclease; plus strand). Cytogenetic location: 1p34.1.
Variant type: single nucleotide variant.
Coding change: c.2T>G on transcript NM_001128425.2 (MANE Plus Clinical); coding-DNA position 2, T replaced by G.
Protein change: p.Met1Arg; changes the start codon (methionine 1).
Molecular consequence: missense variant, initiator codon variant. On other transcripts: 5 prime UTR variant (7), non-coding transcript variant (3).
Genome position (GRCh38, 1-based): chr1:45,340,253, A>C on the plus strand (T>G on the coding strand, the complement: MUTYH is on the minus strand). VCF-style: chr1-45340253-A-C. GRCh37 (hg19) VCF-style: chr1-45805925-A-C.
Other names: c.1A>C, p.Met1Leu (NM_025077.4); c.-41T>G (NM_001048171.2); c.2T>G, p.Met1Arg (NM_001293190.2, NM_001407069.1, NM_001407073.1 and 1 more transcripts); c.-253T>G (NM_001293192.2); c.-312T>G (NM_001350650.2); c.-248T>G (NM_001350651.2); c.-57T>G (NM_001407070.1, NM_001407071.1); c.-37T>G (NM_001407072.1); short protein forms M1R, M1L.
Identifiers: ClinVar variation 406866 (VCV000406866.10), dbSNP rs865954220, ClinGen allele CA16610148.

ClinVar aggregate classification (germline): Uncertain significance (1 of 4 stars; one submission).

Conditions:
Familial adenomatous polyposis 2. Also called: FAP type 2; COLORECTAL ADENOMATOUS POLYPOSIS, AUTOSOMAL RECESSIVE; MYH-associated polyposis; MUTYH-associated polyposis; Adenomas, multiple colorectal; ADENOMAS, MULTIPLE COLORECTAL, AUTOSOMAL RECESSIVE. Identifiers: Orphanet 220460, Orphanet 247798, MedGen C3272841, MONDO:0012041, OMIM 608456.

Submission:

Labcorp Genetics (formerly Invitae), Labcorp
Classification: Uncertain significance for Familial adenomatous polyposis 2. Last evaluated: 2016-11-08. Review status: criteria provided, single submitter. Criteria: Invitae Variant Classification Sherloc (09022015). Collection method: clinical testing. Allele origin: germline.
Comment: This sequence change affects the initiator methionine of the MUTYH mRNA. While it is expected to result in an absent or disrupted protein product, alternate in-frame methionines downstream of the initiator codon could potentially rescue the translation initiation. This variant is not present in population databases (ExAC no frequency) and has not been reported in the literature in individuals with a MUTYH-related disease. In summary, this variant is a novel change to the initiator codon with uncertain impact on protein function. It has been classified as a Variant of Uncertain Significance.